The following is an entry in ClinVar:

ClinVar aggregate classification (germline): Uncertain significance (1 of 4 stars; one submission).

Conditions:
Epidermolysis bullosa simplex with nail dystrophy (EBS5D). Identifiers: MedGen C4225309, MONDO:0014661, OMIM 616487.
Epidermolysis bullosa simplex, Ogna type (EBS5A). Also called: EPIDERMOLYSIS BULLOSA SIMPLEX 5A, OGNA TYPE; Pidermolysis bullosa simplex 5A, Ogna type. Identifiers: Orphanet 79401, MedGen C0432317, MONDO:0007555, OMIM 131950.
Autosomal recessive limb-girdle muscular dystrophy type 2Q (LGMDR17). Also called: MUSCULAR DYSTROPHY, LIMB-GIRDLE, AUTOSOMAL RECESSIVE 17. Identifiers: Orphanet 254361, MedGen C3150989, MONDO:0013390, OMIM 613723.
Epidermolysis bullosa simplex 5B, with muscular dystrophy (EBS5B). Also called: EPIDERMOLYSIS BULLOSA SIMPLEX AND LIMB-GIRDLE MUSCULAR DYSTROPHY; Epidermolysis bullosa simplex with muscular dystrophy. Identifiers: Orphanet 257, MedGen C2931072, MONDO:0009181, OMIM 226670.
Epidermolysis bullosa simplex 5C, with pyloric atresia (EBS5C). Also called: PLEC-Related Epidermolysis Bullosa with Pyloric Atresia; Epidermolysis bullosa simplex with pyloric atresia; PLEC1-Related Epidermolysis Bullosa with Pyloric Atresia. Identifiers: Orphanet 158684, MedGen C2677349, MONDO:0012807, OMIM 612138.

gnomAD v4.1: 11 of 1,612,732 alleles (0.00068%); highest among the groups gnomAD compares: African/African-American, 0.015%; no homozygotes.

Submission:

Labcorp Genetics (formerly Invitae), Labcorp
Classification: Uncertain significance for Autosomal recessive limb-girdle muscular dystrophy type 2Q; Epidermolysis bullosa simplex, Ogna type; Epidermolysis bullosa simplex with nail dystrophy; Epidermolysis bullosa simplex 5C, with pyloric atresia; Epidermolysis bullosa simplex 5B, with muscular dystrophy. Last evaluated: 2025-10-11. Review status: criteria provided, single submitter. Criteria: Invitae Variant Classification Sherloc (09022015). Collection method: clinical testing. Allele origin: germline.
Comment: This sequence change replaces valine, which is neutral and non-polar, with alanine, which is neutral and non-polar, at codon 3746 of the PLEC protein (p.Val3746Ala). This variant is present in population databases (rs782436708, gnomAD 0.02%). This variant has not been reported in the literature in individuals affected with PLEC-related conditions. An algorithm developed to predict the effect of missense changes on protein structure and function (PolyPhen-2) suggests that this variant is likely to be tolerated. In summary, the available evidence is currently insufficient to determine the role of this variant in disease. Therefore, it has been classified as a Variant of Uncertain Significance.

NM_201384.3(PLEC):c.11156T>C (p.Val3719Ala)

Gene: PLEC (plectin; minus strand). Cytogenetic location: 8q24.3.
Variant type: single nucleotide variant.
Coding change: c.11156T>C on transcript NM_201384.3 (MANE Select); coding-DNA position 11156, T replaced by C.
Protein change: p.Val3719Ala; replaces valine 3719 with alanine.
Molecular consequence: missense variant.
Genome position (GRCh38, 1-based): chr8:143,918,665, A>G on the plus strand (T>C on the coding strand, the complement: PLEC is on the minus strand). VCF-style: chr8-143918665-A-G. GRCh37 (hg19) VCF-style: chr8-144992833-A-G.
Other names: c.11567T>C, p.Val3856Ala (NM_201380.4); c.11060T>C, p.Val3687Ala (NM_201381.3); c.11156T>C, p.Val3719Ala (NM_201382.4); c.11168T>C, p.Val3723Ala (NM_201383.3); c.11237T>C, p.Val3746Ala (NM_000445.5); c.7856T>C, p.Val2619Ala (NM_001410941.1); c.11114T>C, p.Val3705Ala (NM_201378.4); c.11090T>C, p.Val3697Ala (NM_201379.3); short protein forms V3687A, V3705A, V2619A, V3697A, V3719A, V3746A, V3723A, V3856A.
Identifiers: ClinVar variation 4788462 (VCV004788462.1).